The following is an entry in ClinVar:

NM_004423.4(DVL3):c.407A>C (p.Asp136Ala)

Gene: DVL3 (dishevelled segment polarity protein 3; plus strand). Cytogenetic location: 3q27.1.
Variant type: single nucleotide variant.
Coding change: c.407A>C on transcript NM_004423.4 (MANE Select); coding-DNA position 407, A replaced by C.
Protein change: p.Asp136Ala; replaces aspartic acid 136 with alanine.
Molecular consequence: missense variant.
Genome position (GRCh38, 1-based): chr3:184,164,545, A>C. VCF-style: chr3-184164545-A-C. GRCh37 (hg19) VCF-style: chr3-183882333-A-C.
Other names: short protein forms D136A.
Identifiers: ClinVar variation 2814295 (VCV002814295.3), dbSNP rs2473697760, ClinGen allele CA355403930.
Genomic context (GRCh38, chr3:184,164,545, plus strand): 5'-CCTGCAGCCCTCATGCTGGTGGGGGCAGCCAGGAGAACCTGGACAATGACACAGAGACGG[A>C]CTCTTTGGTGTCTGCCCAGCGAGAGCGGCCACGCCGGAGGGATGGCCCAGAGCATGGTAT-3'
Protein context (NP_004414.3, residues 126-146): QENLDNDTET[Asp136Ala]SLVSAQRERP

ClinVar aggregate classification (germline): Uncertain significance (1 of 4 stars; one submission).

Submission:

Labcorp Genetics (formerly Invitae), Labcorp
Classification: Uncertain significance. Last evaluated: 2022-11-14. Review status: criteria provided, single submitter. Criteria: Invitae Variant Classification Sherloc (09022015). Collection method: clinical testing. Allele origin: germline.
Comment: This variant is not present in population databases (gnomAD no frequency). In summary, the available evidence is currently insufficient to determine the role of this variant in disease. Therefore, it has been classified as a Variant of Uncertain Significance. Advanced modeling of protein sequence and biophysical properties (such as structural, functional, and spatial information, amino acid conservation, physicochemical variation, residue mobility, and thermodynamic stability) performed at Invitae indicates that this missense variant is not expected to disrupt DVL3 protein function. This variant has not been reported in the literature in individuals affected with DVL3-related conditions. This sequence change replaces aspartic acid, which is acidic and polar, with alanine, which is neutral and non-polar, at codon 136 of the DVL3 protein (p.Asp136Ala).